The following is an entry in ClinVar:

ClinVar aggregate classification (germline): Pathogenic. Review status: criteria provided, single submitter (1 of 4 stars). 2 submissions from 2 submitters: Pathogenic (1). 1 of the submissions does not count toward it. Last evaluated 2026-02-04.

Conditions:
Bosch-Boonstra-Schaaf optic atrophy syndrome (BBSOAS). Also called: NR2F1-Related Neurodevelopmental Disorder. Identifiers: Orphanet 401777, MedGen C3810363, MONDO:0014320, OMIM 615722.

Submissions (2):

GeneDx
Classification: Pathogenic. Last evaluated: 2026-02-04. Review status: criteria provided, single submitter. Criteria: GeneDx Variant Classification Process June 2021. Collection method: clinical testing. Allele origin: germline.
Comment: Not observed at significant frequency in large population cohorts (gnomAD); In silico analysis supports that this missense variant has a deleterious effect on protein structure/function; This variant is associated with the following publications: (PMID: 33057194, 35982159, 26633542, 32275123, 32337850)

Division of Human Genetics, Children's Hospital of Philadelphia
Classification: Uncertain significance for Bosch-Boonstra-Schaaf optic atrophy syndrome. Last evaluated: 2016-02-23. Review status: no assertion criteria provided. Collection method: research. Allele origin: de novo. Affected: yes. Study: CSER-PediSeq. Not counted in ClinVar's aggregate classification.

Literature cited by the submitters: PubMed 24462372 (cited by Division of Human Genetics, Children's Hospital of Philadelphia); PubMed 26350515 (cited by Division of Human Genetics, Children's Hospital of Philadelphia); PubMed 26138355 (cited by Division of Human Genetics, Children's Hospital of Philadelphia).

NM_005654.6(NR2F1):c.1217T>C (p.Met406Thr)

Gene: NR2F1 (nuclear receptor subfamily 2 group F member 1; plus strand). Cytogenetic location: 5q15.
Variant type: single nucleotide variant.
Coding change: c.1217T>C on transcript NM_005654.6 (MANE Select); coding-DNA position 1217, T replaced by C.
Protein change: p.Met406Thr; replaces methionine 406 with threonine.
Molecular consequence: missense variant.
Genome position (GRCh38, 1-based): chr5:93,593,787, T>C. VCF-style: chr5-93593787-T-C. GRCh37 (hg19) VCF-style: chr5-92929493-T-C.
Other names: short protein forms M406T.
Identifiers: ClinVar variation 417902 (VCV000417902.2), dbSNP rs1060499589, ClinGen allele CA16616906.